The following is an entry in ClinVar:

NM_001166114.2(PNPLA6):c.1828C>T (p.Gln610Ter)

Gene: PNPLA6 (patatin like domain 6, lysophospholipase; plus strand). Cytogenetic location: 19p13.2.
Variant type: single nucleotide variant.
Coding change: c.1828C>T on transcript NM_001166114.2 (MANE Select); coding-DNA position 1828, C replaced by T.
Protein change: p.Gln610Ter; replaces glutamine 610 with a stop codon.
Molecular consequence: nonsense.
Genome position (GRCh38, 1-based): chr19:7,550,311, C>T. VCF-style: chr19-7550311-C-T. GRCh37 (hg19) VCF-style: chr19-7615197-C-T.
Other names: c.1855C>T, p.Gln619Ter (NM_001166111.2); c.1633C>T, p.Gln545Ter (NM_001166112.2); c.1711C>T, p.Gln571Ter (NM_001166113.1, NM_006702.5); short protein forms Q545*, Q571*, Q610*, Q619*.
Identifiers: ClinVar variation 3767170 (VCV003767170.1).

ClinVar aggregate classification (germline): Likely pathogenic (1 of 4 stars; one submission).

Conditions:
Hereditary spastic paraplegia 39 (SPG39). Also called: Spastic Paraplegia Type 39 (SPG39); SPASTIC PARAPLEGIA 39, AUTOSOMAL RECESSIVE. Identifiers: Orphanet 139480, MedGen C2677586, MONDO:0012787, OMIM 612020.

Submission:

Service de Génétique Médicale, Centre Hospitalier Universitaire de Nice-Université Côte d'Azur
Classification: Likely pathogenic for Hereditary spastic paraplegia 39. Last evaluated: 2024-02-27. Review status: criteria provided, single submitter. Criteria: ACMG Guidelines, 2015. Collection method: clinical testing. Allele origin: germline. Affected: yes.

Literature cited by the submitters: PubMed 38703036.